The following is an entry in ClinVar:

ClinVar aggregate classification (germline): Conflicting classifications of pathogenicity. Review status: criteria provided, conflicting classifications (1 of 4 stars). 3 submissions from 3 submitters: Uncertain significance (1); Likely benign (1). 1 of the submissions does not count toward it. Last evaluated 2024-11-05.

Conditions:
Primary immunodeficiency with natural-killer cell deficiency and adrenal insufficiency (IMD54). Also called: Natural killer cell and glucocorticoid deficiency with DNA repair defect; IMMUNODEFICIENCY 54. Identifiers: Orphanet 75391, MedGen C1864947, MONDO:0012383, OMIM 609981.
MCM4-related disorder. Also called: MCM4-related condition.

Allele frequency attached by ClinVar (database versions not stated): ExAC 0.00002; gnomAD exomes 0.00003; ESP Exome Variant Server 0.00015; gnomAD 0.00016 and 0.00017; TOPMed 0.00016.
gnomAD v4.1: 68 of 1,613,792 alleles (0.0042%); highest among the groups gnomAD compares: African/African-American, 0.06%; 1 homozygote.

Submissions (3):

Labcorp Genetics (formerly Invitae), Labcorp
Classification: Likely benign. Last evaluated: 2024-11-05. Review status: criteria provided, single submitter. Criteria: Invitae Variant Classification Sherloc (09022015). Collection method: clinical testing. Allele origin: germline.

Illumina Laboratory Services, Illumina
Classification: Uncertain significance for Primary immunodeficiency with natural-killer cell deficiency and adrenal insufficiency. Last evaluated: 2018-01-12. Review status: criteria provided, single submitter. Criteria: ICSL Variant Classification Criteria 13 December 2019. Collection method: clinical testing. Allele origin: germline.

PreventionGenetics, part of Exact Sciences
Classification: Likely benign for MCM4-related condition. Last evaluated: 2019-07-10. Review status: no assertion criteria provided. Collection method: clinical testing. Allele origin: germline. Not counted in ClinVar's aggregate classification.
Comment: This variant is classified as likely benign based on ACMG/AMP sequence variant interpretation guidelines (Richards et al. 2015 PMID: 25741868, with internal and published modifications).

NM_182746.3(MCM4):c.240C>T (p.Ile80=)

Gene: MCM4 (minichromosome maintenance complex component 4; plus strand). Cytogenetic location: 8q11.21.
Variant type: single nucleotide variant.
Coding change: c.240C>T on transcript NM_182746.3 (MANE Select); coding-DNA position 240, C replaced by T.
Protein change: p.Ile80=; no amino-acid change (isoleucine 80 retained).
Molecular consequence: synonymous variant.
Genome position (GRCh38, 1-based): chr8:47,962,057, C>T. VCF-style: chr8-47962057-C-T. GRCh37 (hg19) VCF-style: chr8-48874617-C-T.
Other names: c.240C>T, p.Ile80= (NM_005914.4).
Identifiers: ClinVar variation 909813 (VCV000909813.17), dbSNP rs148927296, ClinGen allele CA4742239.